The following is an entry in ClinVar:

ClinVar aggregate classification (germline): Uncertain significance (1 of 4 stars; one submission).

Conditions:
CHARGE syndrome (CHARGE). Also called: Hittner Hirsch Kreh syndrome; CHARGE ASSOCIATION--COLOBOMA, HEART ANOMALY, CHOANAL ATRESIA, RETARDATION, GENITAL AND EAR ANOMALIES; Coloboma, heart anomaly, choanal atresia, retardation, genital and ear anomalies; CHARGE association; Hall-Hittner syndrome. Identifiers: Orphanet 138, MedGen C0265354, MONDO:0008965.

Submission:

Labcorp Genetics (formerly Invitae), Labcorp
Classification: Uncertain significance for CHARGE syndrome. Last evaluated: 2025-11-19. Review status: criteria provided, single submitter. Criteria: Invitae Variant Classification Sherloc (09022015). Collection method: clinical testing. Allele origin: germline.
Comment: This sequence change replaces glutamine, which is neutral and polar, with proline, which is neutral and non-polar, at codon 162 of the CHD7 protein (p.Gln162Pro). This variant is not present in population databases (gnomAD no frequency). This variant has not been reported in the literature in individuals affected with CHD7-related conditions. Invitae Evidence Modeling of protein sequence and biophysical properties (such as structural, functional, and spatial information, amino acid conservation, physicochemical variation, residue mobility, and thermodynamic stability) indicates that this missense variant is not expected to disrupt CHD7 protein function with a negative predictive value of 95%. In summary, the available evidence is currently insufficient to determine the role of this variant in disease. Therefore, it has been classified as a Variant of Uncertain Significance.

NM_017780.4(CHD7):c.485A>C (p.Gln162Pro)

Gene: CHD7 (chromodomain helicase DNA binding protein 7; plus strand). Cytogenetic location: 8q12.2.
Variant type: single nucleotide variant.
Coding change: c.485A>C on transcript NM_017780.4 (MANE Select); coding-DNA position 485, A replaced by C.
Protein change: p.Gln162Pro; replaces glutamine 162 with proline.
Molecular consequence: missense variant.
Genome position (GRCh38, 1-based): chr8:60,741,917, A>C. VCF-style: chr8-60741917-A-C. GRCh37 (hg19) VCF-style: chr8-61654476-A-C.
Other names: c.485A>C, p.Gln162Pro (NM_001316690.1); short protein forms Q162P.
Identifiers: ClinVar variation 4762640 (VCV004762640.1).
Genomic context (GRCh38, chr8:60,741,917, plus strand): 5'-GCTCCATGTGGGGCCCCAGGGCTGTTCAGGTACCAGACCAGATACGAGCCCCCTACCAGC[A>C]GCAGCAGCCACAGCCGCAGCCACCGCAGCCGGCTCCGTCGGGGCCCCCTGCACAGGGCCA-3'
Protein context (NP_060250.2, residues 152-172): VPDQIRAPYQ[Gln162Pro]QQPQPQPPQP